The following is an entry in ClinVar:

ClinVar aggregate classification (germline): Uncertain significance (1 of 4 stars; one submission).

Conditions:
Diamond-Blackfan anemia 6 (DBA6). Also called: RPL5-Related Diamond-Blackfan Anemia. Identifiers: Orphanet 124, MedGen C2931850, MONDO:0012937, OMIM 612561.

Submission:

Department of Genetics, Sultan Qaboos University Hospital
Classification: Uncertain significance for Diamond-Blackfan anemia 6. Last evaluated: 2026-04-01. Review status: criteria provided, single submitter. Criteria: ACMG Guidelines, 2015. Collection method: clinical testing. Allele origin: germline. Affected: yes. Observed: 1 variant allele.
Comment: BS2, BP1, PM2_Supporting

NM_000969.5(RPL5):c.875A>G (p.Glu292Gly)

Genes: DIPK1A (divergent protein kinase domain 1A; minus strand), RPL5 (ribosomal protein L5; plus strand). Cytogenetic location: 1p22.1.
Variant type: single nucleotide variant.
Coding change: c.875A>G on transcript NM_000969.5 (MANE Select); coding-DNA position 875, A replaced by G.
Protein change: p.Glu292Gly; replaces glutamic acid 292 with glycine.
Molecular consequence: missense variant. On other transcripts: non-coding transcript variant (1), intron variant (1).
Genome position (GRCh38, 1-based): chr1:92,841,846, A>G. VCF-style: chr1-92841846-A-G. GRCh37 (hg19) VCF-style: chr1-93307403-A-G.
Other names: c.474+5337T>C (NM_001252273.2); short protein forms E292G.
Identifiers: ClinVar variation 4852412 (VCV004852412.1).
Genomic context (GRCh38, chr1:92,841,846, plus strand): 5'-CCCTTGCTCAGAAGAAGGATCGGGTAGCTCAAAAGAAGGCAAGCTTCCTCAGAGCTCAGG[A>G]GCGGGCTGCTGAGAGCTAAACCCAGCAATTTTCTATGATTTTTTCAGATATAGATAATAA-3'
Protein context (NP_000960.2, residues 282-297): QKKASFLRAQ[Glu292Gly]RAAES